The following is an entry in ClinVar:

NM_001145809.2(MYH14):c.5869G>A (p.Gly1957Ser)

Gene: MYH14 (myosin heavy chain 14; plus strand). Cytogenetic location: 19q13.33.
Variant type: single nucleotide variant.
Coding change: c.5869G>A on transcript NM_001145809.2 (MANE Select); coding-DNA position 5869, G replaced by A.
Protein change: p.Gly1957Ser; replaces glycine 1957 with serine.
Molecular consequence: missense variant.
Genome position (GRCh38, 1-based): chr19:50,309,086, G>A. VCF-style: chr19-50309086-G-A. GRCh37 (hg19) VCF-style: chr19-50812343-G-A.
Other names: c.5770G>A, p.Gly1924Ser (NM_001077186.2); c.5746G>A, p.Gly1916Ser (NM_024729.4); short protein forms G1916S, G1924S, G1957S.
Identifiers: ClinVar variation 1163633 (VCV001163633.8), dbSNP rs374948377, ClinGen allele CA9593919.
Genomic context (GRCh38, chr19:50,309,086, plus strand): 5'-GTCAAGCAGCTGAAGCGGCAGCTGGAGGAGGCCGAGGAGGAGGCATCCCGGGCTCAGGCC[G>A]GCCGCCGGAGGCTGCAGCGTGAGCTGGAAGATGTCACAGAGTCGGCCGAGTCCATGAACC-3'
Protein context (NP_001139281.1, residues 1947-1967): AEEEASRAQA[Gly1957Ser]RRRLQRELED

ClinVar aggregate classification (germline): Uncertain significance. Review status: criteria provided, multiple submitters, no conflicts (2 of 4 stars). 2 submissions from 2 submitters: Uncertain significance (2). Last evaluated 2024-04-29.

Allele frequency attached by ClinVar (database versions not stated): ExAC 0.00002; gnomAD exomes 0.00002; gnomAD 0.00005 and 0.00006; TOPMed 0.00006; ESP Exome Variant Server 0.00016.
gnomAD v4.1: 22 of 1,613,780 alleles (0.0014%); highest among the groups gnomAD compares: African/African-American, 0.008%; no homozygotes.

Submissions (2):

Labcorp Genetics (formerly Invitae), Labcorp
Classification: Uncertain significance. Last evaluated: 2024-04-29. Review status: criteria provided, single submitter. Criteria: Invitae Variant Classification Sherloc (09022015). Collection method: clinical testing. Allele origin: germline.
Comment: This sequence change replaces glycine, which is neutral and non-polar, with serine, which is neutral and polar, at codon 1916 of the MYH14 protein (p.Gly1916Ser). This variant is present in population databases (rs374948377, gnomAD 0.008%). This variant has not been reported in the literature in individuals affected with MYH14-related conditions. ClinVar contains an entry for this variant (Variation ID: 1163633). Advanced modeling of protein sequence and biophysical properties (such as structural, functional, and spatial information, amino acid conservation, physicochemical variation, residue mobility, and thermodynamic stability) performed at Invitae indicates that this missense variant is not expected to disrupt MYH14 protein function with a negative predictive value of 80%. In summary, the available evidence is currently insufficient to determine the role of this variant in disease. Therefore, it has been classified as a Variant of Uncertain Significance.

Mayo Clinic Laboratories, Mayo Clinic
Classification: Uncertain significance. Last evaluated: 2019-10-14. Review status: criteria provided, single submitter. Criteria: ACMG Guidelines, 2015. Collection method: clinical testing. Allele origin: germline.